The following is an entry in ClinVar:

NM_001276270.2(MBD4):c.541del (p.Arg181fs)

Gene: MBD4 (methyl-CpG binding domain 4, DNA glycosylase; minus strand). Cytogenetic location: 3q21.3.
Variant type: Deletion.
Coding change: c.541del on transcript NM_001276270.2 (MANE Select); coding-DNA position 541, one base deleted (C; older notation c.541delC).
Protein change: p.Arg181fs; shifts the reading frame from arginine 181.
Molecular consequence: frameshift variant. On other transcripts: intron variant (1).
Genome position (GRCh38, 1-based): chr3:129,437,103, G deleted on the plus strand (C on the coding strand, the reverse complement: MBD4 is on the minus strand); the first of 3 consecutive G bases (chr3:129,437,103-129,437,105); deleting any one gives the same sequence. VCF-style (leftmost placement, unchanged base first): chr3-129437102-CG-C. GRCh37 (hg19) VCF-style: chr3-129155945-CG-C.
Other names: c.541del, p.Arg181fs (NM_001276271.2, NM_001276272.2, NM_003925.3); c.247+705del (NM_001276273.2); short protein forms R181fs.
Identifiers: ClinVar variation 3685686 (VCV003685686.2).

ClinVar aggregate classification (germline): Pathogenic (1 of 4 stars; one submission).

Submission:

Labcorp Genetics (formerly Invitae), Labcorp
Classification: Pathogenic. Last evaluated: 2024-09-15. Review status: criteria provided, single submitter. Criteria: Invitae Variant Classification Sherloc (09022015). Collection method: clinical testing. Allele origin: germline.
Comment: This sequence change creates a premature translational stop signal (p.Arg181Glufs*34) in the MBD4 gene. It is expected to result in an absent or disrupted protein product. Loss-of-function variants in MBD4 are known to be pathogenic (PMID: 30049810, 35460607). This variant is not present in population databases (gnomAD no frequency). This variant has not been reported in the literature in individuals affected with MBD4-related conditions. For these reasons, this variant has been classified as Pathogenic.

Literature cited by the submitters: PubMed 30049810; PubMed 35460607.